The following is an entry in ClinVar:

NM_000133.4(F9):c.1282A>T (p.Ile428Phe)

Gene: F9 (coagulation factor IX; plus strand). Cytogenetic location: Xq27.1.
Variant type: single nucleotide variant.
Coding change: c.1282A>T on transcript NM_000133.4 (MANE Select); coding-DNA position 1282, A replaced by T.
Protein change: p.Ile428Phe; replaces isoleucine 428 with phenylalanine.
Molecular consequence: missense variant.
Genome position (GRCh38, 1-based): chrX:139,561,967, A>T. VCF-style: chrX-139561967-A-T. GRCh37 (hg19) VCF-style: chrX-138644126-A-T.
Other names: p.Ile428Phe; c.1168A>T, p.Ile390Phe (NM_001313913.2); short protein forms I390F, I428F.
Identifiers: ClinVar variation 3380935 (VCV003380935.1).

ClinVar aggregate classification (germline): Likely pathogenic (1 of 4 stars; one submission).

Submission:

Mayo Clinic Laboratories, Mayo Clinic
Classification: Likely pathogenic. Last evaluated: 2024-08-21. Review status: criteria provided, single submitter. Criteria: ACMG Guidelines, 2015. Collection method: clinical testing. Allele origin: germline. Observed: 1 variant allele.
Comment: PP3, PM1, PM2, PS4_moderate

Literature cited by the submitters: PubMed 23617593; PubMed 23913812; PubMed 24498619; PubMed 29211678.